The following is an entry in ClinVar:

ClinVar aggregate classification (germline): Uncertain significance (1 of 4 stars; one submission).

Conditions:
Primary ciliary dyskinesia. Also called: Ciliary dyskinesia. Identifiers: Orphanet 244, MedGen C0008780, MONDO:0016575, HP:0012265.

Allele frequency attached by ClinVar (database versions not stated): TOPMed below 0.00001; gnomAD 0.00001.
gnomAD v4.1: 1 of 1,613,990 alleles (0.000062%); highest among the groups gnomAD compares: Admixed American, 0.0017%; no homozygotes.

Submission:

Labcorp Genetics (formerly Invitae), Labcorp
Classification: Uncertain significance for Primary ciliary dyskinesia. Last evaluated: 2024-10-29. Review status: criteria provided, single submitter. Criteria: Invitae Variant Classification Sherloc (09022015). Collection method: clinical testing. Allele origin: germline.
Comment: This sequence change replaces lysine, which is basic and polar, with arginine, which is basic and polar, at codon 3421 of the DNAH5 protein (p.Lys3421Arg). This variant is not present in population databases (gnomAD no frequency). This variant has not been reported in the literature in individuals affected with DNAH5-related conditions. ClinVar contains an entry for this variant (Variation ID: 1394599). Invitae Evidence Modeling of protein sequence and biophysical properties (such as structural, functional, and spatial information, amino acid conservation, physicochemical variation, residue mobility, and thermodynamic stability) indicates that this missense variant is not expected to disrupt DNAH5 protein function with a negative predictive value of 95%. In summary, the available evidence is currently insufficient to determine the role of this variant in disease. Therefore, it has been classified as a Variant of Uncertain Significance.

NM_001369.3(DNAH5):c.10262A>G (p.Lys3421Arg)

Gene: DNAH5 (dynein axonemal heavy chain 5; minus strand). Cytogenetic location: 5p15.2.
Variant type: single nucleotide variant.
Coding change: c.10262A>G on transcript NM_001369.3 (MANE Select); coding-DNA position 10262, A replaced by G.
Protein change: p.Lys3421Arg; replaces lysine 3421 with arginine.
Molecular consequence: missense variant.
Genome position (GRCh38, 1-based): chr5:13,762,741, T>C on the plus strand (A>G on the coding strand, the complement: DNAH5 is on the minus strand). VCF-style: chr5-13762741-T-C. GRCh37 (hg19) VCF-style: chr5-13762850-T-C.
Other names: short protein forms K3421R.
Identifiers: ClinVar variation 1394599 (VCV001394599.6), dbSNP rs1751957147, ClinGen allele CA359197526.
Genomic context (GRCh38, chr5:13,762,741, plus strand): 5'-CCGCCCAGCCACCTTCACCCAGGTCTGCCTAGCAGGCTTACCTTCAGAGGCAGTACTTCT[T>C]TGTTTATAGAAAAGAAGGAAGCCATAGCTTTCGTCCAGGAACAAAGACCAGCTACATTTC-3'
Protein context (NP_001360.1, residues 3411-3431): KAMASFFSIN[Lys3421Arg]EVLPLKANLV